The following is an entry in ClinVar:

ClinVar aggregate classification (germline): Conflicting classifications of pathogenicity. Review status: criteria provided, conflicting classifications (1 of 4 stars). 11 submissions from 11 submitters: Uncertain significance (1); Benign (1); Likely benign (5). 4 of the submissions do not count toward it. Last evaluated 2026-02-03.

Conditions:
HCN4-related disorder. Also called: HCN4-related condition.
Cardiovascular phenotype. Identifiers: MedGen CN230736.
Brugada syndrome 8 (BRGDA8). Identifiers: Orphanet 130, MedGen C2751083, MONDO:0013148, OMIM 613123.

Allele frequency attached by ClinVar (database versions not stated): ESP Exome Variant Server 0.00015; TOPMed 0.00028; gnomAD 0.00065 and 0.00068.
gnomAD v4.1: 912 of 1,602,272 alleles (0.057%); highest among the groups gnomAD compares: Non-Finnish European, 0.053%; 3 homozygotes.

Submissions (11):

Labcorp Genetics (formerly Invitae), Labcorp
Classification: Benign for Brugada syndrome 8. Last evaluated: 2026-02-03. Review status: criteria provided, single submitter. Criteria: Invitae Variant Classification Sherloc (09022015). Collection method: clinical testing. Allele origin: germline.

CeGaT Center for Human Genetics Tuebingen
Classification: Likely benign. Last evaluated: 2026-01-01. Review status: criteria provided, single submitter. Criteria: CeGaT Center For Human Genetics Tuebingen Variant Classification Criteria Version 2. Collection method: clinical testing. Allele origin: germline. Affected: yes. Observed: 1 variant allele.
Comment: HCN4: BS1

Women's Health and Genetics/Laboratory Corporation of America, LabCorp
Classification: Likely benign. Last evaluated: 2025-03-10. Review status: criteria provided, single submitter. Criteria: LabCorp Variant Classification Summary - May 2015. Collection method: clinical testing. Allele origin: germline.
Comment: Variant summary: HCN4 c.3577G>C (p.Glu1193Gln) results in a conservative amino acid change in the encoded protein sequence. Three of five in-silico tools predict a benign effect of the variant on protein function. The variant allele was found at a frequency of 0.00072 in 227336 control chromosomes. The observed variant frequency is approximately 68.83 fold of the estimated maximal expected allele frequency for a pathogenic variant in HCN4 causing Sick Sinus Syndrome 2 phenotype (1e-05). These report(s) do not provide unequivocal conclusions about association of the variant with Sick Sinus Syndrome 2. The following publication has been ascertained in the context of this evaluation (PMID: 26230511). ClinVar contains an entry for this variant (Variation ID: 191449). Based on the evidence outlined above, the variant was classified as likely benign.

Blueprint Genetics
Classification: Likely benign. Last evaluated: 2024-11-21. Review status: criteria provided, single submitter. Criteria: ACMG Guidelines, 2015. Collection method: clinical testing. Allele origin: germline.

GeneDx
Classification: Likely benign. Last evaluated: 2021-03-30. Review status: criteria provided, single submitter. Criteria: GeneDx Variant Classification Process June 2021. Collection method: clinical testing. Allele origin: germline. Affected: yes.
Comment: This variant is associated with the following publications: (PMID: 24607718, 26230511, 26704558, 25642760, 28831623, 23861362, 30821013)

Ambry Genetics
Classification: Likely benign for Cardiovascular phenotype. Last evaluated: 2016-10-07. Review status: criteria provided, single submitter. Criteria: Ambry Variant Classification Scheme 2023. Collection method: clinical testing. Allele origin: germline.

Biesecker Lab/Clinical Genomics Section, National Institutes of Health
Classification: Uncertain significance. Last evaluated: 2013-06-24. Review status: criteria provided, single submitter. Criteria: Ng et al. (Circ Cardiovasc Genet. 2013). Collection method: research. Allele origin: unknown. Observed: 2 variant alleles. Study: ClinSeq.
Comment: The study set was not selected for affection status in relation to any cancer. Pathogenicity categories were based on literature curation. See Pubmed ID:23861362 for details.

Medical sequencing

PreventionGenetics, part of Exact Sciences
Classification: Likely benign for HCN4-related condition. Last evaluated: 2019-05-28. Review status: no assertion criteria provided. Collection method: clinical testing. Allele origin: germline. Not counted in ClinVar's aggregate classification.
Comment: This variant is classified as likely benign based on ACMG/AMP sequence variant interpretation guidelines (Richards et al. 2015 PMID: 25741868, with internal and published modifications).

Clinical Genetics DNA and cytogenetics Diagnostics Lab, Erasmus MC, Erasmus Medical Center
Classification: Likely benign. Review status: no assertion criteria provided. Collection method: clinical testing. Allele origin: germline. Affected: yes. Study: VKGL Data-share Consensus. Not counted in ClinVar's aggregate classification.

Diagnostic Laboratory, Department of Genetics, University Medical Center Groningen
Classification: Likely benign. Review status: no assertion criteria provided. Collection method: clinical testing. Allele origin: germline. Affected: yes. Study: VKGL Data-share Consensus. Not counted in ClinVar's aggregate classification.

Joint Genome Diagnostic Labs from Nijmegen and Maastricht, Radboudumc and MUMC+
Classification: Likely benign. Review status: no assertion criteria provided. Collection method: clinical testing. Allele origin: germline. Affected: yes. Study: VKGL Data-share Consensus. Not counted in ClinVar's aggregate classification.

Literature cited by the submitters: PubMed 26230511 (cited by Women's Health and Genetics/Laboratory Corporation of America, LabCorp).

NM_005477.3(HCN4):c.3577G>C (p.Glu1193Gln)

Gene: HCN4 (hyperpolarization activated cyclic nucleotide gated potassium channel 4; minus strand). Cytogenetic location: 15q24.1.
Variant type: single nucleotide variant.
Coding change: c.3577G>C on transcript NM_005477.3 (MANE Select); coding-DNA position 3577, G replaced by C.
Protein change: p.Glu1193Gln; replaces glutamic acid 1193 with glutamine.
Molecular consequence: missense variant.
Genome position (GRCh38, 1-based): chr15:73,322,516, C>G on the plus strand (G>C on the coding strand, the complement: HCN4 is on the minus strand). VCF-style: chr15-73322516-C-G. GRCh37 (hg19) VCF-style: chr15-73614857-C-G.
Other names: short protein forms E1193Q.
Identifiers: ClinVar variation 191449 (VCV000191449.34), dbSNP rs200507617, ClinGen allele CA236695.